The following is an entry in ClinVar:

NM_002049.4(GATA1):c.90_91del (p.Val32fs)

Gene: GATA1 (GATA binding protein 1; plus strand). Cytogenetic location: Xp11.23.
Variant type: Deletion.
Coding change: c.90_91del on transcript NM_002049.4 (MANE Select); coding-DNA positions 90 to 91, 2 bases deleted (AG; older notation c.90_91delAG).
Protein change: p.Val32fs; shifts the reading frame from valine 32.
Molecular consequence: frameshift variant.
Genome position (GRCh38, 1-based): chrX:48,791,199-48,791,200, AG deleted. VCF-style (leftmost placement, unchanged base first): chrX-48791198-CAG-C. GRCh37 (hg19) VCF-style: chrX-48649605-CAG-C.
Other names: c.90_91del (NM_002049.3); short protein forms V32fs.
Identifiers: ClinVar variation 1068951 (VCV001068951.8), dbSNP rs2147305615, ClinGen allele CA645617131.

ClinVar aggregate classification (germline): Pathogenic/Likely pathogenic. Review status: criteria provided, multiple submitters, no conflicts (2 of 4 stars). 2 submissions from 2 submitters: Pathogenic (1); Likely pathogenic (1). Last evaluated 2025-12-28.

Conditions:
Diamond-Blackfan anemia. Also called: Blackfan Diamond syndrome; Aregenerative anemia chronic congenital; Red cell aplasia, pure hereditary; Congenital hypoplastic anemia; Aase syndrome. Identifiers: Orphanet 124, MedGen C1260899, MeSH D029503, MONDO:0015253, HP:0004810.
GATA binding protein 1 related thrombocytopenia with dyserythropoiesis. Also called: GATA1-Related Cytopenia; GATA1-Related X-Linked Cytopenia. Identifiers: MedGen C1845837, MONDO:0100089.

Submissions (2):

Labcorp Genetics (formerly Invitae), Labcorp
Classification: Pathogenic for GATA binding protein 1 related thrombocytopenia with dyserythropoiesis; Diamond-Blackfan anemia. Last evaluated: 2025-12-28. Review status: criteria provided, single submitter. Criteria: Invitae Variant Classification Sherloc (09022015). Collection method: clinical testing. Allele origin: germline.
Comment: This sequence change creates a premature translational stop signal (p.Val32Phefs*7) in the GATA1 gene. It is expected to result in an absent or disrupted protein product. Loss-of-function variants in GATA1 are known to be pathogenic (PMID: 16783379, 22706301, 23704091, 24453067). This variant is not present in population databases (gnomAD no frequency). This variant has not been reported in the literature in individuals affected with GATA1-related conditions. ClinVar contains an entry for this variant (Variation ID: 1068951). For these reasons, this variant has been classified as Pathogenic.

GeneDx
Classification: Likely pathogenic. Last evaluated: 2025-04-23. Review status: criteria provided, single submitter. Criteria: GeneDx Variant Classification Process June 2021. Collection method: clinical testing. Allele origin: germline. Affected: yes.
Comment: Has not been previously reported as a pathogenic or benign germline variant to our knowledge; Frameshift variant predicted to result in protein truncation or nonsense mediated decay in a gene for which loss of function is a known mechanism of disease; Not observed at significant frequency in large population cohorts (gnomAD); This variant is associated with the following publications: (PMID: 22706301, 24453067, 31606922, 23704091, 16783379, 33386779, 27694926, Papakonstantinou2025[article])

Literature cited by the submitters: PubMed 16783379 (cited by Labcorp Genetics (formerly Invitae), Labcorp); PubMed 22706301 (cited by Labcorp Genetics (formerly Invitae), Labcorp); PubMed 23704091 (cited by Labcorp Genetics (formerly Invitae), Labcorp); PubMed 24453067 (cited by Labcorp Genetics (formerly Invitae), Labcorp).